The following is an entry in ClinVar:

NM_000465.4(BARD1):c.906G>A (p.Lys302=)

Gene: BARD1 (BRCA1 associated RING domain 1; minus strand). Cytogenetic location: 2q35.
Variant type: single nucleotide variant.
Coding change: c.906G>A on transcript NM_000465.4 (MANE Select); coding-DNA position 906, G replaced by A.
Protein change: p.Lys302=; no amino-acid change (lysine 302 retained).
Molecular consequence: synonymous variant. On other transcripts: non-coding transcript variant (2), intron variant (3).
Genome position (GRCh38, 1-based): chr2:214,780,968, C>T on the plus strand (G>A on the coding strand, the complement: BARD1 is on the minus strand). VCF-style: chr2-214780968-C-T. GRCh37 (hg19) VCF-style: chr2-215645692-C-T.
Other names: c.849G>A, p.Lys283= (NM_001282543.2); c.159-28413G>A (NM_001282548.2); c.215+16093G>A (NM_001282545.2); c.364+11329G>A (NM_001282549.2).
Identifiers: ClinVar variation 1765661 (VCV001765661.6), dbSNP rs1412871752, ClinGen allele CA431391676.

ClinVar aggregate classification (germline): Benign/Likely benign. Review status: criteria provided, multiple submitters, no conflicts (2 of 4 stars). 3 submissions from 3 submitters: Benign (1); Likely benign (2). Last evaluated 2024-07-23.

Conditions:
Hereditary cancer-predisposing syndrome. Also called: Neoplastic Syndromes, Hereditary; Tumor predisposition; Hereditary Cancer Syndrome; Hereditary neoplastic syndrome. Identifiers: Orphanet 140162, MedGen C0027672, MeSH D009386, MONDO:0015356.
Familial cancer of breast. Also called: hereditary breast carcinoma; BREAST CANCER, FAMILIAL; Hereditary breast cancer. Identifiers: Orphanet 227535, MedGen C0346153, MONDO:0016419, OMIM 114480. Disease mechanism: loss of function.

Submissions (3):

Myriad Genetics, Inc.
Classification: Benign for Familial cancer of breast. Last evaluated: 2024-07-23. Review status: criteria provided, single submitter. Criteria: Myriad Autosomal Dominant, Autosomal Recessive and X-Linked Classification Criteria (2023). Collection method: clinical testing. Allele origin: unknown.
Comment: This variant is considered benign. This variant is a silent/synonymous amino acid change and it is not expected to impact splicing.

Labcorp Genetics (formerly Invitae), Labcorp
Classification: Likely benign for Familial cancer of breast. Last evaluated: 2023-09-01. Review status: criteria provided, single submitter. Criteria: Invitae Variant Classification Sherloc (09022015). Collection method: clinical testing. Allele origin: germline.

Ambry Genetics
Classification: Likely benign for Hereditary cancer-predisposing syndrome. Last evaluated: 2019-12-06. Review status: criteria provided, single submitter. Criteria: Ambry Variant Classification Scheme 2023. Collection method: clinical testing. Allele origin: germline.